The following is an entry in ClinVar:

ClinVar aggregate classification (germline): Uncertain significance (1 of 4 stars; one submission).

Conditions:
SEMA3F-related disorder. Also called: SEMA3F-related condition.

gnomAD v4.1: 1 of 1,611,948 alleles (0.000062%); no homozygotes.

Submission:

PreventionGenetics, part of Exact Sciences
Classification: Uncertain significance for SEMA3F-related condition. Last evaluated: 2026-02-12. Review status: criteria provided, single submitter. Criteria: ACMG Guidelines, 2015. Collection method: clinical testing. Allele origin: germline.
Comment: The SEMA3F c.2128C>G variant is predicted to result in the amino acid substitution p.Leu710Val. To our knowledge, this variant has not been reported in the literature or in a large population database (gnomAD), indicating this variant is rare. At this time, the clinical significance of this variant is uncertain due to the absence of conclusive functional and genetic evidence.

NM_004186.5(SEMA3F):c.2128C>G (p.Leu710Val)

Gene: SEMA3F (semaphorin 3F; plus strand). Cytogenetic location: 3p21.31.
Variant type: single nucleotide variant.
Coding change: c.2128C>G on transcript NM_004186.5 (MANE Select); coding-DNA position 2128, C replaced by G.
Protein change: p.Leu710Val; replaces leucine 710 with valine.
Molecular consequence: missense variant.
Genome position (GRCh38, 1-based): chr3:50,187,885, C>G. VCF-style: chr3-50187885-C-G. GRCh37 (hg19) VCF-style: chr3-50225318-C-G.
Other names: c.1831C>G, p.Leu611Val (NM_001318798.2); c.2035C>G, p.Leu679Val (NM_001318800.2); short protein forms L679V, L710V, L611V.
Identifiers: ClinVar variation 4983175 (VCV004983175.1).